The following is an entry in ClinVar:

ClinVar aggregate classification (germline): Conflicting classifications of pathogenicity. Review status: criteria provided, conflicting classifications (1 of 4 stars). 7 submissions from 7 submitters: Uncertain significance (4); Likely benign (1). 2 of the submissions do not count toward it. Last evaluated 2026-02-20.

Conditions:
ELP1-related disorder. Also called: ELP1-related condition.
Familial dysautonomia. Also called: FD; HSAN III. Identifiers: Orphanet 1764, MedGen C0013364, MONDO:0009131, OMIM 223900. Disease mechanism: loss of function.
Medulloblastoma (MDB). Also called: MEDULLOBLASTOMA PREDISPOSITION SYNDROME; Medulloblastoma, somatic. Identifiers: Orphanet 616, MedGen C0025149, MeSH D008527, MONDO:0007959, OMIM 155255, HP:0002885.

Allele frequency attached by ClinVar (database versions not stated): gnomAD exomes 0.00006 and 0.00018; ExAC 0.00022; 1000 Genomes Project 30x 0.00047; 1000 Genomes Project 0.00060; gnomAD 0.00081 and 0.00084; ESP Exome Variant Server 0.00092; TOPMed 0.00093.
gnomAD v4.1: 214 of 1,613,504 alleles (0.013%); highest among the groups gnomAD compares: African/African-American, 0.25%; no homozygotes.

Submissions (7):

St. Jude Molecular Pathology, St. Jude Children's Research Hospital
Classification: Uncertain significance for Medulloblastoma. Last evaluated: 2026-02-20. Review status: criteria provided, single submitter. Criteria: St. Jude Assertion Criteria 2020. Collection method: clinical testing. Allele origin: germline.
Comment: The ELP1 c.1364A>G p.(Asp455Gly) missense change has a maximum subpopulation frequency of 0.23% in gnomAD v2.1.1. The in silico tool REVEL predicts a benign effect on protein function, but to our knowledge this prediction has n ot been confirmed by functional studies. To our knowledge, this variant has not been reported in the literature in individuals with ELP1-associated conditions. In summary, the evidence currently available is insufficient to determine the clinical signifi cance of this variant. It has therefore been classified as of uncertain significance.

Labcorp Genetics (formerly Invitae), Labcorp
Classification: Likely benign. Last evaluated: 2026-01-28. Review status: criteria provided, single submitter. Criteria: Invitae Variant Classification Sherloc (09022015). Collection method: clinical testing. Allele origin: germline.

GeneDx
Classification: Uncertain significance. Last evaluated: 2025-07-31. Review status: criteria provided, single submitter. Criteria: GeneDx Variant Classification Process June 2021. Collection method: clinical testing. Allele origin: germline. Affected: yes.
Comment: In silico analysis suggests that this missense variant does not alter protein structure/function; Has not been previously published as pathogenic or benign to our knowledge

Mayo Clinic Laboratories, Mayo Clinic
Classification: Uncertain significance. Last evaluated: 2022-08-03. Review status: criteria provided, single submitter. Criteria: ACMG Guidelines, 2015. Collection method: clinical testing. Allele origin: germline. Observed: 2 variant alleles.
Comment: BP4

Ambry Genetics
Classification: Uncertain significance. Last evaluated: 2020-03-04. Review status: criteria provided, single submitter. Criteria: Ambry Variant Classification Scheme 2023. Collection method: clinical testing. Allele origin: germline.
Comment: The p.D455G variant (also known as c.1364A>G), located in coding exon 12 of the IKBKAP gene, results from an A to G substitution at nucleotide position 1364. The aspartic acid at codon 455 is replaced by glycine, an amino acid with similar properties. This amino acid position is not well conserved in available vertebrate species. In addition, this alteration is predicted to be tolerated by in silico analysis. Since supporting evidence is limited at this time, the clinical significance of this alteration remains unclear.

PreventionGenetics, part of Exact Sciences
Classification: Likely benign for ELP1-related condition. Last evaluated: 2024-07-03. Review status: no assertion criteria provided. Collection method: clinical testing. Allele origin: germline. Not counted in ClinVar's aggregate classification.
Comment: This variant is classified as likely benign based on ACMG/AMP sequence variant interpretation guidelines (Richards et al. 2015 PMID: 25741868, with internal and published modifications).

Natera, Inc.
Classification: Likely benign for Hereditary sensory and autonomic neuropathy type III. Last evaluated: 2020-01-02. Review status: no assertion criteria provided. Collection method: clinical testing. Allele origin: germline. Not counted in ClinVar's aggregate classification.

NM_003640.5(ELP1):c.1364A>G (p.Asp455Gly)

Gene: ELP1 (elongator acetyltransferase complex subunit 1; minus strand). Cytogenetic location: 9q31.3.
Variant type: single nucleotide variant.
Coding change: c.1364A>G on transcript NM_003640.5 (MANE Select); coding-DNA position 1364, A replaced by G.
Protein change: p.Asp455Gly; replaces aspartic acid 455 with glycine.
Molecular consequence: missense variant.
Genome position (GRCh38, 1-based): chr9:108,908,401, T>C on the plus strand (A>G on the coding strand, the complement: ELP1 is on the minus strand). VCF-style: chr9-108908401-T-C. GRCh37 (hg19) VCF-style: chr9-111670681-T-C.
Other names: p.Asp455Gly; c.1364A>G (LRG_251t1, NM_003640.4); c.1022A>G, p.Asp341Gly (NM_001318360.2); c.317A>G, p.Asp106Gly (NM_001330749.2); short protein forms D455G, D106G, D341G.
Identifiers: ClinVar variation 242315 (VCV000242315.23), dbSNP rs149685738, ClinGen allele CA5175034.